The following is an entry in ClinVar:

ClinVar aggregate classification (germline): Conflicting classifications of pathogenicity. Review status: criteria provided, conflicting classifications (1 of 4 stars). 4 submissions from 4 submitters: Uncertain significance (3); Likely benign (1). Last evaluated 2026-01-01.

Conditions:
Complex neurodevelopmental disorder with motor features. Identifiers: MedGen CN322244, MONDO:0100516.
CACNA1B-related disorder. Also called: CACNA1B-related condition.

Allele frequency attached by ClinVar (database versions not stated): gnomAD 0.00006; gnomAD exomes 0.00009; 1000 Genomes Project 30x 0.00016; ExAC 0.00019; 1000 Genomes Project 0.00020.
gnomAD v4.1: 138 of 1,564,624 alleles (0.0088%); highest among the groups gnomAD compares: South Asian, 0.086%; 2 homozygotes.

Submissions (4):

Labcorp Genetics (formerly Invitae), Labcorp
Classification: Likely benign. Last evaluated: 2026-01-01. Review status: criteria provided, single submitter. Criteria: Invitae Variant Classification Sherloc (09022015). Collection method: clinical testing. Allele origin: germline.

Ambry Genetics
Classification: Uncertain significance. Last evaluated: 2024-12-21. Review status: criteria provided, single submitter. Criteria: Ambry Variant Classification Scheme 2023. Collection method: clinical testing. Allele origin: germline.

PreventionGenetics, part of Exact Sciences
Classification: Uncertain significance for CACNA1B-related condition. Last evaluated: 2023-03-24. Review status: criteria provided, single submitter. Criteria: ACMG Guidelines, 2015. Collection method: clinical testing. Allele origin: germline.
Comment: The CACNA1B c.5945G>A variant is predicted to result in the amino acid substitution p.Arg1982Gln. To our knowledge, this variant has not been reported in the literature. This variant is reported in 0.058% of alleles in individuals of South Asian descent in gnomAD. Although we suspect that this variant may be benign, at this time, the clinical significance of this variant is uncertain due to the absence of conclusive functional and genetic evidence.

Department of Pathology and Laboratory Medicine, Sinai Health System
Classification: Uncertain significance for complex neurodevelopmental disorder with motor features. Last evaluated: 2020-05-14. Review status: criteria provided, single submitter. Criteria: ACMG Guidelines, 2015. Collection method: research. Allele origin: germline.

NM_000718.4(CACNA1B):c.5945G>A (p.Arg1982Gln)

Gene: CACNA1B (calcium voltage-gated channel subunit alpha1 B; plus strand). Cytogenetic location: 9q34.3.
Variant type: single nucleotide variant.
Coding change: c.5945G>A on transcript NM_000718.4 (MANE Select); coding-DNA position 5945, G replaced by A.
Protein change: p.Arg1982Gln; replaces arginine 1982 with glutamine.
Molecular consequence: missense variant.
Genome position (GRCh38, 1-based): chr9:138,118,683, G>A. VCF-style: chr9-138118683-G-A. GRCh37 (hg19) VCF-style: chr9-141013135-G-A.
Other names: c.5945G>A, p.Arg1982Gln (NM_001243812.2); c.5945G>A (NM_000718.3); short protein forms R1982Q.
Identifiers: ClinVar variation 2056014 (VCV002056014.6), dbSNP rs200719516, ClinGen allele CA5377556.